The following is an entry in ClinVar:

NM_144596.4(TTC8):c.1431+3A>G

Gene: TTC8 (tetratricopeptide repeat domain 8; plus strand). Cytogenetic location: 14q31.3.
Variant type: single nucleotide variant.
Coding change: c.1431+3A>G on transcript NM_144596.4 (MANE Select); 3 bases into the intron after coding-DNA position 1431, A replaced by G.
Molecular consequence: intron variant.
Genome position (GRCh38, 1-based): chr14:88,875,112, A>G. VCF-style: chr14-88875112-A-G. GRCh37 (hg19) VCF-style: chr14-89341456-A-G.
Other names: c.837+3A>G (NM_001288782.1); c.1479+3A>G (NM_001288781.1); c.1401+3A>G (NM_198309.3); c.714+3A>G (NM_001288783.1); c.1311+3A>G (NM_198310.3); c.1318-2182A>G (NM_001366535.2); c.1228-2182A>G (NM_001366536.2).
Identifiers: ClinVar variation 1018741 (VCV001018741.6), dbSNP rs2094951653, ClinGen allele CA2153792153.

ClinVar aggregate classification (germline): Uncertain significance (1 of 4 stars; one submission).

Conditions:
Bardet-Biedl syndrome (BBS). Identifiers: Orphanet 110, MedGen C0752166, MONDO:0015229.

Allele frequency attached by ClinVar (database versions not stated): gnomAD exomes below 0.00001.
gnomAD v4.1: 4 of 1,604,336 alleles (0.00025%); highest among the groups gnomAD compares: Non-Finnish European, 0.00034%; no homozygotes.

Submission:

Labcorp Genetics (formerly Invitae), Labcorp
Classification: Uncertain significance for Bardet-Biedl syndrome. Last evaluated: 2022-07-12. Review status: criteria provided, single submitter. Criteria: Invitae Variant Classification Sherloc (09022015). Collection method: clinical testing. Allele origin: germline.
Comment: This variant is not present in population databases (gnomAD no frequency). This sequence change falls in intron 14 of the TTC8 gene. It does not directly change the encoded amino acid sequence of the TTC8 protein. It affects a nucleotide within the consensus splice site. This variant has not been reported in the literature in individuals affected with TTC8-related conditions. In summary, the available evidence is currently insufficient to determine the role of this variant in disease. Therefore, it has been classified as a Variant of Uncertain Significance. Variants that disrupt the consensus splice site are a relatively common cause of aberrant splicing (PMID: 17576681, 9536098). Algorithms developed to predict the effect of sequence changes on RNA splicing suggest that this variant may disrupt the consensus splice site. ClinVar contains an entry for this variant (Variation ID: 1018741).

Literature cited by the submitters: PubMed 17576681; PubMed 9536098.